The following is an entry in ClinVar:

NM_207346.3(TSEN54):c.383T>A (p.Leu128His)

Gene: TSEN54 (tRNA splicing endonuclease subunit 54; plus strand). Cytogenetic location: 17q25.1.
Variant type: single nucleotide variant.
Coding change: c.383T>A on transcript NM_207346.3 (MANE Select); coding-DNA position 383, T replaced by A.
Protein change: p.Leu128His; replaces leucine 128 with histidine.
Molecular consequence: missense variant.
Genome position (GRCh38, 1-based): chr17:75,517,570, T>A. VCF-style: chr17-75517570-T-A. GRCh37 (hg19) VCF-style: chr17-73513651-T-A.
Other names: short protein forms L128H.
Identifiers: ClinVar variation 1309477 (VCV001309477.2), dbSNP rs2147007841, ClinGen allele CA401027626.

ClinVar aggregate classification (germline): Uncertain significance (1 of 4 stars; one submission).

Submission:

GeneDx
Classification: Uncertain significance. Last evaluated: 2020-11-04. Review status: criteria provided, single submitter. Criteria: GeneDx Variant Classification Process June 2021. Collection method: clinical testing. Allele origin: germline. Affected: yes.
Comment: Not observed in large population cohorts (Lek et al., 2016); In silico analysis, which includes protein predictors and evolutionary conservation, supports a deleterious effect; Has not been previously published as pathogenic or benign to our knowledge